The following is an entry in ClinVar:

ClinVar aggregate classification (germline): Pathogenic. Review status: criteria provided, multiple submitters, no conflicts (2 of 4 stars). 2 submissions from 2 submitters: Pathogenic (2). Last evaluated 2025-07-29.

Conditions:
Intellectual developmental disorder, autosomal dominant 44, with microcephaly. Also called: Micrognathia-recurrent infections-behavioral abnormalities-mild intellectual disability syndrome; TRIO-Related Intellectual Disability. Identifiers: Orphanet 476126, MedGen C4310740, MONDO:0014892, OMIM 617061.

Submissions (2):

GeneDx
Classification: Pathogenic. Last evaluated: 2025-07-29. Review status: criteria provided, single submitter. Criteria: GeneDx Variant Classification Process June 2021. Collection method: clinical testing. Allele origin: germline. Affected: yes.
Comment: Nonsense variant predicted to result in protein truncation or nonsense mediated decay in a gene for which loss of function is a known mechanism of disease; Not observed at significant frequency in large population cohorts (gnomAD); This variant is associated with the following publications: (PMID: 38180615)

Laboratory of Human Genetics, Universidade de São Paulo
Classification: Pathogenic for Intellectual developmental disorder, autosomal dominant 44, with microcephaly. Last evaluated: 2022-05-13. Review status: criteria provided, single submitter. Criteria: ACMG Guidelines, 2015. Collection method: research. Allele origin: maternal. Affected: yes. Observed: 1 heterozygote.
Comment: This variant meets our criteria to be classified as pathogenic based upon segregation studies, absence from controls, and in-silico evaluation of pathogenicity.

NM_007118.4(TRIO):c.838C>T (p.Gln280Ter)

Gene: TRIO (trio Rho guanine nucleotide exchange factor; plus strand). Cytogenetic location: 5p15.2.
Variant type: single nucleotide variant.
Coding change: c.838C>T on transcript NM_007118.4 (MANE Select); coding-DNA position 838, C replaced by T.
Protein change: p.Gln280Ter; replaces glutamine 280 with a stop codon.
Molecular consequence: nonsense. On other transcripts: non-coding transcript variant (1).
Genome position (GRCh38, 1-based): chr5:14,291,013, C>T. VCF-style: chr5-14291013-C-T. GRCh37 (hg19) VCF-style: chr5-14291122-C-T.
Other names: c.838C>T (NM_007118.2); short protein forms Q280*.
Identifiers: ClinVar variation 1683784 (VCV001683784.3), dbSNP rs2152285036, ClinGen allele CA359209189.